The following is an entry in ClinVar:

ClinVar aggregate classification (germline): Uncertain significance (1 of 4 stars; one submission).

Conditions:
Hereditary cancer-predisposing syndrome. Also called: Neoplastic Syndromes, Hereditary; Tumor predisposition; Hereditary Cancer Syndrome; Hereditary neoplastic syndrome. Identifiers: Orphanet 140162, MedGen C0027672, MeSH D009386, MONDO:0015356.

Submission:

Ambry Genetics
Classification: Uncertain significance for Hereditary cancer-predisposing syndrome. Last evaluated: 2026-07-29. Review status: criteria provided, single submitter. Criteria: Ambry Variant Classification Scheme 2023. Collection method: clinical testing. Allele origin: germline.
Comment: The p.L1519R variant (also known as c.4556T>G), located in coding exon 34 of the TSC2 gene, results from a T to G substitution at nucleotide position 4556. The leucine at codon 1519 is replaced by arginine, an amino acid with dissimilar properties. This amino acid position is highly conserved in available vertebrate species. In addition, this alteration is predicted to be deleterious by in silico analysis. Based on the available evidence, the clinical significance of this variant remains unclear.

NM_000548.5(TSC2):c.4556T>G (p.Leu1519Arg)

Gene: TSC2 (TSC complex subunit 2; plus strand). Cytogenetic location: 16p13.3.
Variant type: single nucleotide variant.
Coding change: c.4556T>G on transcript NM_000548.5 (MANE Select); coding-DNA position 4556, T replaced by G.
Protein change: p.Leu1519Arg; replaces leucine 1519 with arginine.
Molecular consequence: missense variant. On other transcripts: non-coding transcript variant (5).
Genome position (GRCh38, 1-based): chr16:2,085,013, T>G. VCF-style: chr16-2085013-T-G. GRCh37 (hg19) VCF-style: chr16-2135014-T-G.
Other names: c.4337T>G, p.Leu1446Arg (NM_001406676.1); c.4298T>G, p.Leu1433Arg (NM_001406677.1); c.4244T>G, p.Leu1415Arg (NM_001406678.1); c.4208T>G, p.Leu1403Arg (NM_001406679.1); c.3956T>G, p.Leu1319Arg (NM_001406680.1); c.3896T>G, p.Leu1299Arg (NM_001406681.1); c.3887T>G, p.Leu1296Arg (NM_001406682.1, NM_001406683.1); c.4355T>G, p.Leu1452Arg (NM_001077183.3); and 26 more; short protein forms L1028R, L1295R, L1299R, L1415R, L1446R, L1495R, L1027R, L1253R.
Identifiers: ClinVar variation 3974669 (VCV003974669.2).
Genomic context (GRCh38, chr16:2,085,013, plus strand): 5'-TCGTGTTCCTGCAGCTCTACCATTCCCCCTTCTTTGGCGACGAGTCAAACAAGCCAATCC[T>G]GCTGCCCAATGAGGTAGGCGTGGCCTCCCTCTCCTGCATCCGCTGGAGCTGTGTGGCTCG-3'
Protein context (NP_000539.2, residues 1509-1529): FFGDESNKPI[Leu1519Arg]LPNESQSFER